The following is an entry in ClinVar:

NM_172107.4(KCNQ2):c.448T>C (p.Cys150Arg)

Gene: KCNQ2 (potassium voltage-gated channel subfamily Q member 2; minus strand). Cytogenetic location: 20q13.33.
Variant type: single nucleotide variant.
Coding change: c.448T>C on transcript NM_172107.4 (MANE Select); coding-DNA position 448, T replaced by C.
Protein change: p.Cys150Arg; replaces cysteine 150 with arginine.
Molecular consequence: missense variant.
Genome position (GRCh38, 1-based): chr20:63,445,304, A>G on the plus strand (T>C on the coding strand, the complement: KCNQ2 is on the minus strand). VCF-style: chr20-63445304-A-G. GRCh37 (hg19) VCF-style: chr20-62076657-A-G.
Other names: c.448T>C, p.Cys150Arg (NM_001382235.1, NM_004518.6, NM_172106.3 and 2 more transcripts); short protein forms C150R.
Identifiers: ClinVar variation 1719585 (VCV001719585.5), dbSNP rs2516511778, ClinGen allele CA409655367.

ClinVar aggregate classification (germline): Uncertain significance (1 of 4 stars; one submission).

Conditions:
Early-infantile DEE. Also called: Early infantile epileptic encephalopathy with suppression bursts; Early infantile epileptic encephalopathy; Ohtahara syndrome. Identifiers: Orphanet 1934, MedGen C0393706, MONDO:0800491.

Submission:

Labcorp Genetics (formerly Invitae), Labcorp
Classification: Uncertain significance for Early-infantile DEE. Last evaluated: 2024-01-22. Review status: criteria provided, single submitter. Criteria: Invitae Variant Classification Sherloc (09022015). Collection method: clinical testing. Allele origin: germline.
Comment: This sequence change replaces cysteine, which is neutral and slightly polar, with arginine, which is basic and polar, at codon 150 of the KCNQ2 protein (p.Cys150Arg). This variant is not present in population databases (gnomAD no frequency). This variant has not been reported in the literature in individuals affected with KCNQ2-related conditions. ClinVar contains an entry for this variant (Variation ID: 1719585). Advanced modeling of protein sequence and biophysical properties (such as structural, functional, and spatial information, amino acid conservation, physicochemical variation, residue mobility, and thermodynamic stability) performed at Invitae indicates that this missense variant is expected to disrupt KCNQ2 protein function with a positive predictive value of 95%. In summary, the available evidence is currently insufficient to determine the role of this variant in disease. Therefore, it has been classified as a Variant of Uncertain Significance.